The following is an entry in ClinVar:

NM_004204.5(PIGQ):c.*146C>T

Gene: PIGQ (phosphatidylinositol glycan anchor biosynthesis class Q; plus strand). Cytogenetic location: 16p13.3.
Variant type: single nucleotide variant.
Coding change: c.*146C>T on transcript NM_004204.5 (MANE Select); 146 bases downstream of the stop codon, C replaced by T.
Molecular consequence: 3 prime UTR variant. On other transcripts: synonymous variant (1).
Genome position (GRCh38, 1-based): chr16:583,181, C>T. VCF-style: chr16-583181-C-T. GRCh37 (hg19) VCF-style: chr16-633181-C-T.
Other names: c.1830C>T, p.Thr610= (NM_148920.4).
Identifiers: ClinVar variation 5040539 (VCV005040539.1).

ClinVar aggregate classification (germline): Likely benign (1 of 4 stars; one submission).

gnomAD v4.1: 1 of 1,613,204 alleles (0.000062%); highest among the groups gnomAD compares: East Asian, 0.0022%; no homozygotes.

Submission:

CeGaT Center for Human Genetics Tuebingen
Classification: Likely benign. Last evaluated: 2026-08-01. Review status: criteria provided, single submitter. Criteria: CeGaT Center For Human Genetics Tuebingen Variant Classification Criteria Version 2. Collection method: clinical testing. Allele origin: germline. Affected: yes. Observed: 1 variant allele.
Comment: PIGQ: BP4, BP7